The following is an entry in ClinVar:

NM_001903.5(CTNNA1):c.2720A>T (p.Ter907Leu)

Gene: CTNNA1 (catenin alpha 1; plus strand). Cytogenetic location: 5q31.2.
Variant type: single nucleotide variant.
Coding change: c.2720A>T on transcript NM_001903.5 (MANE Select); coding-DNA position 2720, A replaced by T.
Protein change: p.Ter907Leu.
Molecular consequence: stop lost. On other transcripts: 3 prime UTR variant (5).
Genome position (GRCh38, 1-based): chr5:138,934,088, A>T. VCF-style: chr5-138934088-A-T. GRCh37 (hg19) VCF-style: chr5-138269777-A-T.
Other names: c.1610A>T, p.Ter537Leu (NM_001323987.1, NM_001323988.1, NM_001323989.1 and 12 more transcripts); c.1475A>T, p.Ter492Leu (NM_001324001.1); c.*265A>T (NM_001324002.1, NM_001324003.1, NM_001324004.1 and 2 more transcripts); c.1271A>T, p.Ter424Leu (NM_001324006.1, NM_001324007.1, NM_001324008.1 and 2 more transcripts); c.1517A>T, p.Ter506Leu (NM_001324011.1); c.1367A>T, p.Ter456Leu (NM_001324012.1, NM_001324013.1); c.2411A>T, p.Ter804Leu (NM_001290309.3); c.2351A>T, p.Ter784Leu (NM_001290310.3); and 3 more.
Identifiers: ClinVar variation 4779124 (VCV004779124.1).
Genomic context (GRCh38, chr5:138,934,088, plus strand): 5'-AGAAGAAGCACGTGAACCCGGTGCAGGCCCTCAGCGAGTTCAAAGCTATGGACAGCATCT[A>T]AGTCTGCCCAGGCCGGCCGCCCCCACCCCTCGGGGCTCCTGAATATCAGTCACTGTTCGT-3'

ClinVar aggregate classification (germline): Uncertain significance (1 of 4 stars; one submission).

Submission:

Labcorp Genetics (formerly Invitae), Labcorp
Classification: Uncertain significance. Last evaluated: 2025-06-17. Review status: criteria provided, single submitter. Criteria: Invitae Variant Classification Sherloc (09022015). Collection method: clinical testing. Allele origin: germline.
Comment: This sequence change disrupts the translational stop signal of the CTNNA1 mRNA. It is expected to extend the length of the CTNNA1 protein by 41 additional amino acid residues. This variant is not present in population databases (gnomAD no frequency). This variant has not been reported in the literature in individuals affected with CTNNA1-related conditions. Experimental studies and prediction algorithms are not available or were not evaluated, and the functional significance of this variant is currently unknown. In summary, the available evidence is currently insufficient to determine the role of this variant in disease. Therefore, it has been classified as a Variant of Uncertain Significance.